The following is an entry in ClinVar:

ClinVar aggregate classification (germline): Pathogenic (1 of 4 stars; one submission).

Conditions:
Duchenne muscular dystrophy (DMD). Also called: MUSCULAR DYSTROPHY, PSEUDOHYPERTROPHIC PROGRESSIVE, DUCHENNE TYPE; Duchenne Muscular Dystrophy (DMD). Identifiers: Orphanet 98896, MedGen C0013264, MONDO:0010679, OMIM 310200.

Submission:

Labcorp Genetics (formerly Invitae), Labcorp
Classification: Pathogenic for Duchenne muscular dystrophy. Last evaluated: 2025-03-14. Review status: criteria provided, single submitter. Criteria: Invitae Variant Classification Sherloc (09022015). Collection method: clinical testing. Allele origin: germline.
Comment: This sequence change affects an acceptor splice site in intron 4 of the DMD gene. RNA analysis indicates that disruption of this splice site induces altered splicing and may result in an absent or altered protein product. This variant is not present in population databases (gnomAD no frequency). Disruption of this splice site has been observed in individual(s) with clinical features of dystrophinopathy (PMID: 23536893). Studies have shown that disruption of this splice site results in skipping of exon 5 and activation of a cryptic splice site, and produces a non-functional protein and/or introduces a premature termination codon (PMID: 23536893). For these reasons, this variant has been classified as Pathogenic.

Literature cited by the submitters: PubMed 23536893.

NM_004006.3(DMD):c.265-1G>T

Gene: DMD (dystrophin; minus strand). Cytogenetic location: Xp21.1.
Variant type: single nucleotide variant.
Coding change: c.265-1G>T on transcript NM_004006.3 (MANE Select); the canonical splice acceptor site of the intron before coding-DNA position 265, G replaced by T.
Molecular consequence: splice acceptor variant.
Genome position (GRCh38, 1-based): chrX:32,823,388, C>A on the plus strand (G>T on the coding strand, the complement: DMD is on the minus strand). VCF-style: chrX-32823388-C-A. GRCh37 (hg19) VCF-style: chrX-32841505-C-A.
Other names: c.241-1G>T (NM_000109.4); c.253-1G>T (NM_004009.3); c.-105-1G>T (NM_004010.3).
Identifiers: ClinVar variation 4750663 (VCV004750663.1).
Genomic context (GRCh38, chrX:32,823,388, plus strand): 5'-AAGAGTCAGTTTATGATTTCCATCTACGATGTCAGTACTTCCAATATTCACTAAATCAAC[C>A]TGTTAAAGAAAGGGGTAAAACATTTGAAGGTAAGAGACCAAATGCCTAGTTGCAATAATA-3'